The following is an entry in ClinVar:

NM_014845.6(FIG4):c.501C>G (p.Tyr167Ter)

Gene: FIG4 (FIG4 phosphoinositide 5-phosphatase; plus strand). Cytogenetic location: 6q21.
Variant type: single nucleotide variant.
Coding change: c.501C>G on transcript NM_014845.6 (MANE Select); coding-DNA position 501, C replaced by G.
Protein change: p.Tyr167Ter; replaces tyrosine 167 with a stop codon.
Molecular consequence: nonsense.
Genome position (GRCh38, 1-based): chr6:109,735,153, C>G. VCF-style: chr6-109735153-C-G. GRCh37 (hg19) VCF-style: chr6-110056356-C-G.
Other names: short protein forms Y167*.
Identifiers: ClinVar variation 3652166 (VCV003652166.2).

ClinVar aggregate classification (germline): Pathogenic (1 of 4 stars; one submission).

Conditions:
Charcot-Marie-Tooth disease type 4. Also called: Charcot-Marie-Tooth, Type 4; Charcot-Marie-Tooth disease, type IV. Identifiers: Orphanet 64749, MedGen C4082197, MONDO:0018995.

gnomAD v4.1: 1 of 1,611,952 alleles (0.000062%); highest among the groups gnomAD compares: Non-Finnish European, 0.000085%; no homozygotes.

Submission:

Labcorp Genetics (formerly Invitae), Labcorp
Classification: Pathogenic for Charcot-Marie-Tooth disease type 4. Last evaluated: 2024-05-10. Review status: criteria provided, single submitter. Criteria: Invitae Variant Classification Sherloc (09022015). Collection method: clinical testing. Allele origin: germline.
Comment: This sequence change creates a premature translational stop signal (p.Tyr167*) in the FIG4 gene. It is expected to result in an absent or disrupted protein product. Loss-of-function variants in FIG4 are known to be pathogenic (PMID: 23623387, 30740813). This variant is not present in population databases (gnomAD no frequency). This variant has not been reported in the literature in individuals affected with FIG4-related conditions. Algorithms developed to predict the effect of sequence changes on RNA splicing suggest that this variant may disrupt the consensus splice site. For these reasons, this variant has been classified as Pathogenic.

Literature cited by the submitters: PubMed 23623387; PubMed 30740813.